The following is an entry in ClinVar:

NM_003235.5(TG):c.5386C>T (p.Gln1796Ter)

Gene: TG (thyroglobulin; plus strand). Cytogenetic location: 8q24.22.
Variant type: single nucleotide variant.
Coding change: c.5386C>T on transcript NM_003235.5 (MANE Select); coding-DNA position 5386, C replaced by T.
Protein change: p.Gln1796Ter; replaces glutamine 1796 with a stop codon.
Molecular consequence: nonsense.
Genome position (GRCh38, 1-based): chr8:132,948,928, C>T. VCF-style: chr8-132948928-C-T. GRCh37 (hg19) VCF-style: chr8-133961173-C-T.
Other names: short protein forms Q1796*.
Identifiers: ClinVar variation 361975 (VCV000361975.10), dbSNP rs754658907, ClinGen allele CA4884470.
Genomic context (GRCh38, chr8:132,948,928, plus strand): 5'-ACATGTCCTGGTGTGACATATGACCAGGAGAGCCACCAGGTGATATTGCGTCTTGGAGAC[C>T]AGGAGTTCATCAAGAGTAAGTCTTTGCCATTTGTCCATATTCTTTCAAAATTACTCTTCA-3'

ClinVar aggregate classification (germline): Pathogenic. Review status: criteria provided, multiple submitters, no conflicts (2 of 4 stars). 3 submissions from 3 submitters: Pathogenic (3). Last evaluated 2024-05-28.

Conditions:
Autoimmune thyroid disease, susceptibility to, 3. Identifiers: MedGen C1842444, MONDO:0011982, OMIM 608175.
Iodotyrosyl coupling defect (TDH3). Also called: HYPOTHYROIDISM, CONGENITAL, DUE TO DYSHORMONOGENESIS, 3; THYROID HORMONOGENESIS, GENETIC DEFECT IN, 3. Identifiers: Orphanet 95716, MedGen C0342194, MONDO:0010135, OMIM 274700.

Allele frequency attached by ClinVar (database versions not stated): ExAC 0.00002; gnomAD exomes 0.00002; TOPMed 0.00003; gnomAD 0.00004.
gnomAD v4.1: 20 of 1,613,630 alleles (0.0012%); highest among the groups gnomAD compares: African/African-American, 0.008%; no homozygotes.

Submissions (3):

Fulgent Genetics
Classification: Pathogenic for Iodotyrosyl coupling defect; Autoimmune thyroid disease, susceptibility to, 3. Last evaluated: 2024-05-28. Review status: criteria provided, single submitter. Criteria: ACMG Guidelines, 2015. Collection method: clinical testing. Allele origin: germline.

Labcorp Genetics (formerly Invitae), Labcorp
Classification: Pathogenic. Last evaluated: 2024-02-20. Review status: criteria provided, single submitter. Criteria: Invitae Variant Classification Sherloc (09022015). Collection method: clinical testing. Allele origin: germline.
Comment: This sequence change creates a premature translational stop signal (p.Gln1796*) in the TG gene. It is expected to result in an absent or disrupted protein product. Loss-of-function variants in TG are known to be pathogenic (PMID: 19837936, 23164529). This variant is present in population databases (rs754658907, gnomAD 0.01%). This premature translational stop signal has been observed in individual(s) with autosomal recessive thyroid dyshormonogenesis (PMID: 20447071). In at least one individual the data is consistent with being in trans (on the opposite chromosome) from a pathogenic variant. ClinVar contains an entry for this variant (Variation ID: 361975). For these reasons, this variant has been classified as Pathogenic.

GeneDx
Classification: Pathogenic. Last evaluated: 2023-06-06. Review status: criteria provided, single submitter. Criteria: GeneDx Variant Classification Process June 2021. Collection method: clinical testing. Allele origin: germline. Affected: yes.
Comment: Nonsense variant predicted to result in protein truncation or nonsense mediated decay in a gene for which loss of function is a known mechanism of disease; Also known as p.(Q1777*); This variant is associated with the following publications: (PMID: 25525159, 31589614, 35177841, 20447071, 33689781, 34200080, Targovnik2016Review, 21372558)

Literature cited by the submitters: PubMed 19837936 (cited by Labcorp Genetics (formerly Invitae), Labcorp); PubMed 23164529 (cited by Labcorp Genetics (formerly Invitae), Labcorp); PubMed 20447071 (cited by Labcorp Genetics (formerly Invitae), Labcorp).